The following is an entry in ClinVar:

ClinVar aggregate classification (germline): Uncertain significance (1 of 4 stars; one submission).

Conditions:
GNE myopathy (NM). Also called: INCLUSION BODY MYOPATHY, HEREDITARY, AUTOSOMAL RECESSIVE; NONAKA DISTAL MYOPATHY; INCLUSION BODY MYOPATHY 2, AUTOSOMAL RECESSIVE; MYOPATHY, DISTAL, WITH OR WITHOUT RIMMED VACUOLES; IBM 2; Inclusion body myopathy autosomal recessive. Identifiers: Orphanet 602, MedGen C1853926, MONDO:0011603, OMIM 605820.
Sialuria. Also called: Sialic Acid Storage Disease; SIALURIA, FRENCH TYPE. Identifiers: Orphanet 3166, MedGen C0342853, MONDO:0010028, OMIM 269921.

Submission:

Labcorp Genetics (formerly Invitae), Labcorp
Classification: Uncertain significance for Sialuria; GNE myopathy. Last evaluated: 2019-09-22. Review status: criteria provided, single submitter. Criteria: Invitae Variant Classification Sherloc (09022015). Collection method: clinical testing. Allele origin: germline.
Comment: In summary, the available evidence is currently insufficient to determine the role of this variant in disease. Therefore, it has been classified as a Variant of Uncertain Significance. Algorithms developed to predict the effect of missense changes on protein structure and function (SIFT, PolyPhen-2, Align-GVGD) all suggest that this variant is likely to be disruptive, but these predictions have not been confirmed by published functional studies and their clinical significance is uncertain. This variant has not been reported in the literature in individuals with GNE-related conditions. This variant is not present in population databases (ExAC no frequency). This sequence change replaces glycine with valine at codon 507 of the GNE protein (p.Gly507Val). The glycine residue is highly conserved and there is a moderate physicochemical difference between glycine and valine.

NM_005476.7(GNE):c.1427G>T (p.Gly476Val)

Gene: GNE (glucosamine (UDP-N-acetyl)-2-epimerase/N-acetylmannosamine kinase; minus strand). Cytogenetic location: 9p13.3.
Variant type: single nucleotide variant.
Coding change: c.1427G>T on transcript NM_005476.7 (MANE Select); coding-DNA position 1427, G replaced by T.
Protein change: p.Gly476Val; replaces glycine 476 with valine.
Molecular consequence: missense variant. On other transcripts: intron variant (1).
Genome position (GRCh38, 1-based): chr9:36,222,983, C>A on the plus strand (G>T on the coding strand, the complement: GNE is on the minus strand). VCF-style: chr9-36222983-C-A. GRCh37 (hg19) VCF-style: chr9-36222980-C-A.
Other names: c.1520G>T, p.Gly507Val (NM_001128227.3); c.1097G>T, p.Gly366Val (NM_001190384.3); c.1250G>T, p.Gly417Val (NM_001190388.2, NM_001374798.1); c.1274G>T, p.Gly425Val (NM_001374797.1); c.1411+390G>T (NM_001190383.3); short protein forms G417V, G366V, G476V, G507V, G425V.
Identifiers: ClinVar variation 943792 (VCV000943792.9), dbSNP rs1828675355, ClinGen allele CA373426927.
Genomic context (GRCh38, chr9:36,222,983, plus strand): 5'-TTCCACTCTTGGATCAGTTTGGTTGAATGCAGCACAATTCCTTCCCGAGGATTTACACGG[C>A]CACCTGTGGAAATGCCTGCGCTCCACCACAAACACAAGGAAATAATGCTGATGAGCAATC-3'
Protein context (NP_005467.1, residues 466-486): RILGVGISTG[Gly476Val]RVNPREGIVL